The following is an entry in ClinVar:

NM_004304.5(ALK):c.3142C>G (p.Leu1048Val)

Gene: ALK (ALK receptor tyrosine kinase; minus strand). Cytogenetic location: 2p23.2.
Variant type: single nucleotide variant.
Coding change: c.3142C>G on transcript NM_004304.5 (MANE Select); coding-DNA position 3142, C replaced by G.
Protein change: p.Leu1048Val; replaces leucine 1048 with valine.
Molecular consequence: missense variant.
Genome position (GRCh38, 1-based): chr2:29,225,491, G>C on the plus strand (C>G on the coding strand, the complement: ALK is on the minus strand). VCF-style: chr2-29225491-G-C. GRCh37 (hg19) VCF-style: chr2-29448357-G-C.
Other names: short protein forms L1048V.
Identifiers: ClinVar variation 4040335 (VCV004040335.1).
Genomic context (GRCh38, chr2:29,225,491, plus strand): 5'-TTGGGAGTCCCTGGGGCTCTGTGCACTCACCAATCATGATGCCGGAGAAAGCCAGGACCA[G>C]GGCGGCCACGAGGGCAGAGGTCACCACAGAGAGGATCAGCGAGAGTGGCAGGTGTGGCTC-3'
Protein context (NP_004295.2, residues 1038-1058): SVVTSALVAA[Leu1048Val]VLAFSGIMIV

ClinVar aggregate classification (germline): Uncertain significance (1 of 4 stars; one submission).

Conditions:
Hereditary cancer-predisposing syndrome. Also called: Neoplastic Syndromes, Hereditary; Tumor predisposition; Hereditary neoplastic syndrome; Hereditary Cancer Syndrome. Identifiers: Orphanet 140162, MedGen C0027672, MeSH D009386, MONDO:0015356.

gnomAD v4.1: 1 of 1,613,452 alleles (0.000062%); highest among the groups gnomAD compares: Non-Finnish European, 0.000085%; no homozygotes.

Submission:

Ambry Genetics
Classification: Uncertain significance for Hereditary cancer-predisposing syndrome. Last evaluated: 2025-03-24. Review status: criteria provided, single submitter. Criteria: Ambry Variant Classification Scheme 2023. Collection method: clinical testing. Allele origin: germline.
Comment: The p.L1048V variant (also known as c.3142C>G), located in coding exon 19 of the ALK gene, results from a C to G substitution at nucleotide position 3142. The leucine at codon 1048 is replaced by valine, an amino acid with highly similar properties. This amino acid position is conserved. In addition, this alteration is predicted to be tolerated by in silico analysis. Based on the available evidence, the clinical significance of this variant remains unclear.